The following is an entry in ClinVar:

NM_000057.4(BLM):c.2350T>A (p.Tyr784Asn)

Gene: BLM (BLM RecQ like helicase; plus strand). Cytogenetic location: 15q26.1.
Variant type: single nucleotide variant.
Coding change: c.2350T>A on transcript NM_000057.4 (MANE Select); coding-DNA position 2350, T replaced by A.
Protein change: p.Tyr784Asn; replaces tyrosine 784 with asparagine.
Molecular consequence: missense variant.
Genome position (GRCh38, 1-based): chr15:90,769,175, T>A. VCF-style: chr15-90769175-T-A. GRCh37 (hg19) VCF-style: chr15-91312405-T-A.
Other names: c.2350T>A, p.Tyr784Asn (NM_001287246.2, NM_001287247.2); c.1225T>A, p.Tyr409Asn (NM_001287248.2); c.2350T>A (NM_000057.3); short protein forms Y409N, Y784N.
Identifiers: ClinVar variation 821139 (VCV000821139.11), dbSNP rs779746222, ClinGen allele CA7738735.

ClinVar aggregate classification (germline): Conflicting classifications of pathogenicity. Review status: criteria provided, conflicting classifications (1 of 4 stars). 4 submissions from 4 submitters: Uncertain significance (2); Benign (1). 1 of the submissions does not count toward it. Last evaluated 2025-10-13.

Conditions:
Hereditary cancer-predisposing syndrome. Also called: Neoplastic Syndromes, Hereditary; Tumor predisposition; Hereditary Cancer Syndrome; Hereditary neoplastic syndrome. Identifiers: Orphanet 140162, MedGen C0027672, MeSH D009386, MONDO:0015356.
Ovarian cancer. Also called: OVARIAN CANCER, SOMATIC. Identifiers: Orphanet 213500, MedGen C1140680, MONDO:0008170, OMIM 167000.
Bloom syndrome (BLM). Also called: Bloom-Torre-Machacek syndrome. Identifiers: Orphanet 125, MedGen C0005859, MONDO:0008876, OMIM 210900.

Allele frequency attached by ClinVar (database versions not stated): TOPMed below 0.00001; ExAC 0.00002; gnomAD exomes 0.00002.
gnomAD v4.1: 2 of 1,613,706 alleles (0.00012%); highest among the groups gnomAD compares: East Asian, 0.0045%; no homozygotes.

Submissions (4):

Labcorp Genetics (formerly Invitae), Labcorp
Classification: Uncertain significance for Bloom syndrome. Last evaluated: 2025-10-13. Review status: criteria provided, single submitter. Criteria: Invitae Variant Classification Sherloc (09022015). Collection method: clinical testing. Allele origin: germline.
Comment: This sequence change replaces tyrosine, which is neutral and polar, with asparagine, which is neutral and polar, at codon 784 of the BLM protein (p.Tyr784Asn). This variant is present in population databases (rs779746222, gnomAD 0.02%). This variant has not been reported in the literature in individuals affected with BLM-related conditions. ClinVar contains an entry for this variant (Variation ID: 821139). Invitae Evidence Modeling of protein sequence and biophysical properties (such as structural, functional, and spatial information, amino acid conservation, physicochemical variation, residue mobility, and thermodynamic stability) indicates that this missense variant is not expected to disrupt BLM protein function with a negative predictive value of 80%. In summary, the available evidence is currently insufficient to determine the role of this variant in disease. Therefore, it has been classified as a Variant of Uncertain Significance.

Ambry Genetics
Classification: Uncertain significance for Hereditary cancer-predisposing syndrome. Last evaluated: 2023-06-11. Review status: criteria provided, single submitter. Criteria: Ambry Variant Classification Scheme 2023. Collection method: clinical testing. Allele origin: germline.
Comment: The p.Y784N variant (also known as c.2350T>A), located in coding exon 10 of the BLM gene, results from a T to A substitution at nucleotide position 2350. The tyrosine at codon 784 is replaced by asparagine, an amino acid with dissimilar properties. This amino acid position is highly conserved in available vertebrate species. In addition, the in silico prediction for this alteration is inconclusive. Since supporting evidence is limited at this time, the clinical significance of this alteration remains unclear.

Laboratory of Molecular Epidemiology of Birth Defects, West China Second University Hospital, Sichuan University
Classification: Benign for Ovarian cancer. Last evaluated: 2022-01-01. Review status: criteria provided, single submitter. Criteria: ACMG Guidelines, 2015. Collection method: clinical testing. Allele origin: germline. Affected: yes.

Natera, Inc.
Classification: Uncertain significance for Bloom syndrome. Last evaluated: 2018-10-16. Review status: no assertion criteria provided. Collection method: clinical testing. Allele origin: germline. Not counted in ClinVar's aggregate classification.